The following is an entry in ClinVar:

ClinVar aggregate classification (germline): Uncertain significance (1 of 4 stars; one submission).

Allele frequency attached by ClinVar (database versions not stated): ExAC 0.00008; gnomAD 0.00029; ESP Exome Variant Server 0.00034; TOPMed 0.00039; 1000 Genomes Project 0.00100; 1000 Genomes Project 30x 0.00141.
gnomAD v4.1: 86 of 1,613,798 alleles (0.0053%); highest among the groups gnomAD compares: African/African-American, 0.093%; no homozygotes.

Submission:

Labcorp Genetics (formerly Invitae), Labcorp
Classification: Uncertain significance. Last evaluated: 2022-02-15. Review status: criteria provided, single submitter. Criteria: Invitae Variant Classification Sherloc (09022015). Collection method: clinical testing. Allele origin: germline.
Comment: This sequence change replaces glycine, which is neutral and non-polar, with arginine, which is basic and polar, at codon 67 of the MCPH1 protein (p.Gly67Arg). This variant is present in population databases (rs199506455, gnomAD 0.1%). This variant has not been reported in the literature in individuals affected with MCPH1-related conditions. Algorithms developed to predict the effect of missense changes on protein structure and function are either unavailable or do not agree on the potential impact of this missense change (SIFT: "Not Available"; PolyPhen-2: "Possibly Damaging"; Align-GVGD: "Not Available"). In summary, the available evidence is currently insufficient to determine the role of this variant in disease. Therefore, it has been classified as a Variant of Uncertain Significance.

NM_024596.5(MCPH1):c.199G>C (p.Gly67Arg)

Gene: MCPH1 (microcephalin 1; plus strand). Cytogenetic location: 8p23.1.
Variant type: single nucleotide variant.
Coding change: c.199G>C on transcript NM_024596.5 (MANE Select); coding-DNA position 199, G replaced by C.
Protein change: p.Gly67Arg; replaces glycine 67 with arginine.
Molecular consequence: missense variant. On other transcripts: non-coding transcript variant (1).
Genome position (GRCh38, 1-based): chr8:6,414,849, G>C. VCF-style: chr8-6414849-G-C. GRCh37 (hg19) VCF-style: chr8-6272370-G-C.
Other names: c.199G>C, p.Gly67Arg (NM_001172574.2, NM_001172575.2, NM_001322042.2 and 4 more transcripts); c.193G>C, p.Gly65Arg (NM_001322043.2); c.97G>C, p.Gly33Arg (NM_001322045.2); short protein forms G65R, G33R, G67R.
Identifiers: ClinVar variation 2054899 (VCV002054899.1), dbSNP rs199506455, ClinGen allele CA4610104.